The following is an entry in ClinVar:

NM_007184.4(NISCH):c.2715C>T (p.Ala905=)

Gene: NISCH (nischarin; plus strand). Cytogenetic location: 3p21.1.
Variant type: single nucleotide variant.
Coding change: c.2715C>T on transcript NM_007184.4 (MANE Select); coding-DNA position 2715, C replaced by T.
Protein change: p.Ala905=; no amino-acid change (alanine 905 retained).
Molecular consequence: synonymous variant.
Genome position (GRCh38, 1-based): chr3:52,488,207, C>T. VCF-style: chr3-52488207-C-T. GRCh37 (hg19) VCF-style: chr3-52522223-C-T.
Identifiers: ClinVar variation 2653886 (VCV002653886.24), dbSNP rs145102328, ClinGen allele CA2439487.
Genomic context (GRCh38, chr3:52,488,207, plus strand): 5'-ACTCTGTTCAGCCGTGCGGCGCTCCTGCTGCGCGCCCTCTGAGGCCGTCAAGTCCGCCGC[C>T]ATCCCCTACTGGCTGTTGCTCACGCCCCAGCACCTCAACGTCATCAAGGCCGACTTCAAC-3'
Protein context (NP_009115.3, residues 895-915): CAPSEAVKSA[Ala905=]IPYWLLLTPQ

ClinVar aggregate classification (germline): Likely benign (1 of 4 stars; one submission).

Allele frequency attached by ClinVar (database versions not stated): TOPMed 0.00042; ESP Exome Variant Server 0.00046; gnomAD 0.00064; ExAC 0.00077; gnomAD exomes 0.00079.
gnomAD v4.1: 1,256 of 1,613,050 alleles (0.078%); highest among the groups gnomAD compares: Non-Finnish European, 0.091%; 2 homozygotes.

Submission:

CeGaT Center for Human Genetics Tuebingen
Classification: Likely benign. Last evaluated: 2023-02-01. Review status: criteria provided, single submitter. Criteria: CeGaT Center For Human Genetics Tuebingen Variant Classification Criteria Version 2. Collection method: clinical testing. Allele origin: germline. Affected: yes. Observed: 1 variant allele.
Comment: NISCH: BP4, BP7